The following is an entry in ClinVar:

ClinVar aggregate classification (germline): Uncertain significance (1 of 4 stars; one submission).

Conditions:
Immunodeficiency, common variable, 10. Also called: IMMUNODEFICIENCY, COMMON VARIABLE, WITH CENTRAL ADRENAL INSUFFICIENCY; DEFICIT IN ANTERIOR PITUITARY FUNCTION AND VARIABLE IMMUNODEFICIENCY. Identifiers: MedGen C3809991, MONDO:0014260, OMIM 615577.

Submission:

Labcorp Genetics (formerly Invitae), Labcorp
Classification: Uncertain significance for Immunodeficiency, common variable, 10. Last evaluated: 2024-12-12. Review status: criteria provided, single submitter. Criteria: Invitae Variant Classification Sherloc (09022015). Collection method: clinical testing. Allele origin: germline.
Comment: This sequence change affects codon 191 of the NFKB2 mRNA. It is a 'silent' change, meaning that it does not change the encoded amino acid sequence of the NFKB2 protein. This variant is not present in population databases (gnomAD no frequency). This variant has not been reported in the literature in individuals affected with NFKB2-related conditions. Algorithms developed to predict the effect of sequence changes on RNA splicing suggest that this variant may create or strengthen a splice site. In summary, the available evidence is currently insufficient to determine the role of this variant in disease. Therefore, it has been classified as a Variant of Uncertain Significance.

NM_001322934.2(NFKB2):c.573G>A (p.Arg191=)

Gene: NFKB2 (nuclear factor kappa B subunit 2; plus strand). Cytogenetic location: 10q24.32.
Variant type: single nucleotide variant.
Coding change: c.573G>A on transcript NM_001322934.2 (MANE Select); coding-DNA position 573, G replaced by A.
Protein change: p.Arg191=; no amino-acid change (arginine 191 retained).
Molecular consequence: synonymous variant.
Genome position (GRCh38, 1-based): chr10:102,397,597, G>A. VCF-style: chr10-102397597-G-A. GRCh37 (hg19) VCF-style: chr10-104157354-G-A.
Other names: c.573G>A, p.Arg191= (NM_001077494.3, NM_001261403.3, NM_001288724.1 and 2 more transcripts).
Identifiers: ClinVar variation 3724112 (VCV003724112.2).